The following is an entry in ClinVar:

ClinVar aggregate classification (germline): Uncertain significance (1 of 4 stars; one submission).

Submission:

GeneDx
Classification: Uncertain significance. Last evaluated: 2024-11-07. Review status: criteria provided, single submitter. Criteria: GeneDx Variant Classification Process June 2021. Collection method: clinical testing. Allele origin: germline. Affected: yes.
Comment: Not observed at significant frequency in large population cohorts (gnomAD); In silico analysis supports that this missense variant has a deleterious effect on protein structure/function; Has not been previously published as pathogenic or benign to our knowledge

NM_206933.4(USH2A):c.3556T>C (p.Cys1186Arg)

Genes: USH2A (usherin; minus strand), USH2A-AS1 (USH2A antisense RNA 1; plus strand). Cytogenetic location: 1q41.
Variant type: single nucleotide variant.
Coding change: c.3556T>C on transcript NM_206933.4 (MANE Select); coding-DNA position 3556, T replaced by C.
Protein change: p.Cys1186Arg; replaces cysteine 1186 with arginine.
Molecular consequence: missense variant.
Genome position (GRCh38, 1-based): chr1:216,199,882, A>G on the plus strand (T>C on the coding strand, the complement: USH2A is on the minus strand). VCF-style: chr1-216199882-A-G. GRCh37 (hg19) VCF-style: chr1-216373224-A-G.
Other names: c.3556T>C, p.Cys1186Arg (NM_007123.6); short protein forms C1186R.
Identifiers: ClinVar variation 3898939 (VCV003898939.1).
Genomic context (GRCh38, chr1:216,199,882, plus strand): 5'-TAGCTGAGGTTTCATGACCTTCGTAGGAAACACATGGCTGACCACCAGCCAAAGGGGCAC[A>G]GGACAAAATATATTTCTCTATGGGACCAGATTGATTTGAGAGTGTTGTCCAGGTAAGTGT-3'
Protein context (NP_996816.3, residues 1176-1196): SGPIEKYILS[Cys1186Arg]APLAGGQPCV